The following is an entry in ClinVar:

ClinVar aggregate classification (germline): Conflicting classifications of pathogenicity. Review status: criteria provided, conflicting classifications (1 of 4 stars). 2 submissions from 2 submitters: Uncertain significance (1); Likely benign (1). Last evaluated 2025-11-12.

Conditions:
Myofibrillar myopathy 6. Identifiers: Orphanet 199340, MedGen C2751831, MONDO:0013061, OMIM 612954.
Dilated cardiomyopathy 1HH (CMD1HH). Identifiers: Orphanet 154, MedGen C3151293, MONDO:0013479, OMIM 613881.

Allele frequency attached by ClinVar (database versions not stated): gnomAD exomes below 0.00001 and 0.00004; gnomAD 0.00002; TOPMed 0.00004; ExAC 0.00008.
gnomAD v4.1: 7 of 1,613,966 alleles (0.00043%); highest among the groups gnomAD compares: East Asian, 0.011%; no homozygotes.

Submissions (2):

Labcorp Genetics (formerly Invitae), Labcorp
Classification: Likely benign for Dilated cardiomyopathy 1HH; Myofibrillar myopathy 6. Last evaluated: 2025-11-12. Review status: criteria provided, single submitter. Criteria: Invitae Variant Classification Sherloc (09022015). Collection method: clinical testing. Allele origin: germline.

GeneDx
Classification: Uncertain significance. Last evaluated: 2016-12-27. Review status: criteria provided, single submitter. Criteria: GeneDx Variant Classification (06012015). Collection method: clinical testing. Allele origin: germline. Affected: yes.
Comment: A variant of uncertain significance has been identified in the BAG3 gene. The S315T variant has not been published as a pathogenic variant, nor has it been reported as a benign variant to our knowledge. The S315T variant is not observed at a significant frequency in large population cohorts (Lek et al., 2016; 1000 Genomes Consortium et al., 2015; Exome Variant Server). The S315T variant is a conservative amino acid substitution, which is not likely to impact secondary protein structure as these residues share similar properties. This substitution occurs at a position that is not conserved, and in silico analysis predicts this variant likely does not alter the protein structure/function. However, based on the currently available information, it is unclear whether this variant is a pathogenic variant or a rare benign variant.

NM_004281.4(BAG3):c.943T>A (p.Ser315Thr)

Gene: BAG3 (BAG cochaperone 3; plus strand). Cytogenetic location: 10q26.11.
Variant type: single nucleotide variant.
Coding change: c.943T>A on transcript NM_004281.4 (MANE Select); coding-DNA position 943, T replaced by A.
Protein change: p.Ser315Thr; replaces serine 315 with threonine.
Molecular consequence: missense variant.
Genome position (GRCh38, 1-based): chr10:119,676,497, T>A. VCF-style: chr10-119676497-T-A. GRCh37 (hg19) VCF-style: chr10-121436009-T-A.
Other names: short protein forms S315T.
Identifiers: ClinVar variation 392053 (VCV000392053.8), dbSNP rs761417402, ClinGen allele CA5716452.